The following is an entry in ClinVar:

NM_002206.3(ITGA7):c.1888-106C>T

Gene: ITGA7 (integrin subunit alpha 7; minus strand). Cytogenetic location: 12q13.2.
Variant type: single nucleotide variant.
Coding change: c.1888-106C>T on transcript NM_002206.3 (MANE Select); 106 bases into the intron before coding-DNA position 1888, C replaced by T.
Molecular consequence: intron variant.
Genome position (GRCh38, 1-based): chr12:55,695,743, G>A on the plus strand (C>T on the coding strand, the complement: ITGA7 is on the minus strand). VCF-style: chr12-55695743-G-A. GRCh37 (hg19) VCF-style: chr12-56089527-G-A.
Other names: c.1609-106C>T (NM_001144997.2); c.1561-106C>T (NM_001367993.1); c.1549-106C>T (NM_001414035.1); c.1705-106C>T (NM_001414033.1); c.544-106C>T (NM_001367994.1); c.1768-106C>T (NM_001414032.1); c.1801-106C>T (NM_001414031.1); c.1870-106C>T (NM_001374465.1); and 5 more.
Identifiers: ClinVar variation 677461 (VCV000677461.2), dbSNP rs61094294, ClinGen allele CA237570319.
Genomic context (GRCh38, chr12:55,695,743, plus strand): 5'-GGGGGCAAACCTGTCACCATGGCATATGGTGGGTTAGAGTATCACAGGATTAAACAACCT[G>A]TCCTCAACTCTCAGATCTGCTGCTTATTAGCCATGTGATCCTGAACTGGGTCCTCTCCTC-3'

ClinVar aggregate classification (germline): Benign. Review status: criteria provided, multiple submitters, no conflicts (2 of 4 stars). 2 submissions from 2 submitters: Benign (2). Last evaluated 2018-06-19.

Allele frequency attached by ClinVar (database versions not stated): gnomAD exomes 0.00933; gnomAD 0.05535 and 0.05939; 1000 Genomes Project 0.05671; 1000 Genomes Project 30x 0.06168; TOPMed 0.06285.
gnomAD v4.1: 14,501 of 779,248 alleles (1.9%); highest among the groups gnomAD compares: African/African-American, 18%; 1,083 homozygotes.

Submissions (2):

GeneDx
Classification: Benign. Last evaluated: 2018-06-19. Review status: criteria provided, single submitter. Criteria: GeneDx Variant Classification (06012015). Collection method: clinical testing. Allele origin: germline. Affected: yes.
Comment: This variant is considered likely benign or benign based on one or more of the following criteria: it is a conservative change, it occurs at a poorly conserved position in the protein, it is predicted to be benign by multiple in silico algorithms, and/or has population frequency not consistent with disease.

Breakthrough Genomics
Classification: Benign. Review status: criteria provided, single submitter. Criteria: ACMG Guidelines, 2015. Collection method: not provided. Allele origin: germline. Inheritance: Autosomal recessive inheritance. Affected: yes.